The following is an entry in ClinVar:

NC_000006.11:g.(?_161771131)_(161807929_?)del

Gene: PRKN (parkin RBR E3 ubiquitin protein ligase; minus strand). Cytogenetic location: 6q26.
Variant type: Deletion.
Identifiers: ClinVar variation 1458435 (VCV001458435.6).

ClinVar aggregate classification (germline): Pathogenic (1 of 4 stars; one submission).

Submission:

Labcorp Genetics (formerly Invitae), Labcorp
Classification: Pathogenic. Last evaluated: 2023-10-18. Review status: criteria provided, single submitter. Criteria: Invitae Variant Classification Sherloc (09022015). Collection method: clinical testing. Allele origin: germline.
Comment: This variant is a gross deletion of the genomic region encompassing exon(s) 10-12 of the PRKN gene, which includes the termination codon. This deletion extends beyond the assayed region for this gene and therefore may encompass additional genes. While this deletion is not anticipated to lead to nonsense mediated decay, it is expected to alter mRNA translation or result in a truncated protein product. A similar copy number variant has been observed in individual(s) with Parkinson disease (PMID: 15823482, 24677602, 30692050). This variant disrupts a region of the PRKN protein in which other variant(s) (p.Trp445*) have been determined to be pathogenic (PMID: 12707451, 18951541). This suggests that this is a clinically significant region of the protein, and that variants that disrupt it are likely to be disease-causing. For these reasons, this variant has been classified as Pathogenic.

Literature cited by the submitters: PubMed 15823482; PubMed 24677602; PubMed 30692050; PubMed 12707451; PubMed 18951541.